The following is an entry in ClinVar:

NM_024570.4(RNASEH2B):c.641G>A (p.Gly214Asp)

Gene: RNASEH2B (ribonuclease H2 subunit B; plus strand). Cytogenetic location: 13q14.3.
Variant type: single nucleotide variant.
Coding change: c.641G>A on transcript NM_024570.4 (MANE Select); coding-DNA position 641, G replaced by A.
Protein change: p.Gly214Asp; replaces glycine 214 with aspartic acid.
Molecular consequence: missense variant.
Genome position (GRCh38, 1-based): chr13:50,948,011, G>A. VCF-style: chr13-50948011-G-A. GRCh37 (hg19) VCF-style: chr13-51522147-G-A.
Other names: c.641G>A, p.Gly214Asp (NM_001142279.2); short protein forms G214D.
Identifiers: ClinVar variation 952966 (VCV000952966.7), dbSNP rs977521667, ClinGen allele CA249998460.

ClinVar aggregate classification (germline): Uncertain significance (1 of 4 stars; one submission).

Conditions:
Aicardi-Goutieres syndrome 2. Identifiers: Orphanet 51, MedGen C3489724, MONDO:0012429, OMIM 610181.

Allele frequency attached by ClinVar (database versions not stated): gnomAD exomes below 0.00001; TOPMed below 0.00001.
gnomAD v4.1: 7 of 1,610,890 alleles (0.00043%); highest among the groups gnomAD compares: Non-Finnish European, 0.00042%; no homozygotes.

Submission:

Labcorp Genetics (formerly Invitae), Labcorp
Classification: Uncertain significance for Aicardi-Goutieres syndrome 2. Last evaluated: 2021-08-26. Review status: criteria provided, single submitter. Criteria: Invitae Variant Classification Sherloc (09022015). Collection method: clinical testing. Allele origin: germline.
Comment: This sequence change replaces glycine with aspartic acid at codon 214 of the RNASEH2B protein (p.Gly214Asp). The glycine residue is highly conserved and there is a moderate physicochemical difference between glycine and aspartic acid. This variant is not present in population databases (ExAC no frequency). This variant has not been reported in the literature in individuals affected with RNASEH2B-related conditions. Algorithms developed to predict the effect of missense changes on protein structure and function are either unavailable or do not agree on the potential impact of this missense change (SIFT: "Tolerated"; PolyPhen-2: "Probably Damaging"; Align-GVGD: "Class C0"). In summary, the available evidence is currently insufficient to determine the role of this variant in disease. Therefore, it has been classified as a Variant of Uncertain Significance.